The following is an entry in ClinVar:

NM_005876.5(SPEG):c.8436C>T (p.Pro2812=)

Genes: ASIC4-AS1 (ASIC4 antisense RNA 1; minus strand), SPEG (striated muscle enriched protein kinase; plus strand). Cytogenetic location: 2q35.
Variant type: single nucleotide variant.
Coding change: c.8436C>T on transcript NM_005876.5 (MANE Select); coding-DNA position 8436, C replaced by T.
Protein change: p.Pro2812=; no amino-acid change (proline 2812 retained).
Molecular consequence: synonymous variant.
Genome position (GRCh38, 1-based): chr2:219,489,454, C>T. VCF-style: chr2-219489454-C-T. GRCh37 (hg19) VCF-style: chr2-220354176-C-T.
Identifiers: ClinVar variation 716526 (VCV000716526.13), dbSNP rs188612736, ClinGen allele CA2127491.

ClinVar aggregate classification (germline): Benign/Likely benign. Review status: criteria provided, multiple submitters, no conflicts (2 of 4 stars). 4 submissions from 4 submitters: Benign (2); Likely benign (2). Last evaluated 2026-06-01.

Allele frequency attached by ClinVar (database versions not stated): ESP Exome Variant Server 0.00008; 1000 Genomes Project 30x 0.00016; 1000 Genomes Project 0.00020; gnomAD 0.00022 and 0.00023; gnomAD exomes 0.00029 and 0.00131; TOPMed 0.00058; ExAC 0.00105.
gnomAD v4.1: 451 of 1,612,360 alleles (0.028%); highest among the groups gnomAD compares: Admixed American, 0.62%; 3 homozygotes.

Submissions (4):

CeGaT Center for Human Genetics Tuebingen
Classification: Likely benign. Last evaluated: 2026-06-01. Review status: criteria provided, single submitter. Criteria: CeGaT Center For Human Genetics Tuebingen Variant Classification Criteria Version 2. Collection method: clinical testing. Allele origin: germline. Affected: yes. Observed: 1 variant allele.
Comment: SPEG: BP4, BP7

Labcorp Genetics (formerly Invitae), Labcorp
Classification: Benign. Last evaluated: 2026-01-19. Review status: criteria provided, single submitter. Criteria: Invitae Variant Classification Sherloc (09022015). Collection method: clinical testing. Allele origin: germline.

Blueprint Genetics
Classification: Likely benign. Last evaluated: 2024-11-15. Review status: criteria provided, single submitter. Criteria: ACMG Guidelines, 2015. Collection method: clinical testing. Allele origin: germline.

Breakthrough Genomics
Classification: Benign. Review status: criteria provided, single submitter. Criteria: ACMG Guidelines, 2015. Collection method: not provided. Allele origin: germline. Inheritance: Autosomal recessive inheritance. Affected: yes.